The following is an entry in ClinVar:

NM_005993.5(TBCD):c.1751C>T (p.Ala584Val)

Gene: TBCD (tubulin folding cofactor D). Cytogenetic location: 17q25.3.
Variant type: single nucleotide variant.
Coding change: c.1751C>T on transcript NM_005993.5 (MANE Select); coding-DNA position 1751, C replaced by T.
Protein change: p.Ala584Val; replaces alanine 584 with valine.
Molecular consequence: missense variant.
Genome position (GRCh38, 1-based): chr17:82,903,425, C>T. VCF-style: chr17-82903425-C-T. GRCh37 (hg19) VCF-style: chr17-80861301-C-T.
Other names: c.1751C>T (NM_005993.4); short protein forms A584V.
Identifiers: ClinVar variation 1483505 (VCV001483505.9), dbSNP rs747729228, ClinGen allele CA8862746.
Genomic context (GRCh38, chr17:82,903,425, plus strand): 5'-TAAAATGAAGGCACTTACGACATTCTCTCCTCACTCTCAGGGTCATCCGAGAGTTGGCTG[C>T]GAGGGCGCTGCACAACCTGGCCCAGCAGGCACCCGAGTTCAGCGCCACGCAAGGTGGGTG-3'
Protein context (NP_005984.3, residues 574-594): HWDGVIRELA[Ala584Val]RALHNLAQQA

ClinVar aggregate classification (germline): Conflicting classifications of pathogenicity. Review status: criteria provided, conflicting classifications (1 of 4 stars). 2 submissions from 2 submitters: Uncertain significance (1); Likely benign (1). Last evaluated 2024-12-02.

Conditions:
Inborn genetic diseases. Identifiers: MedGen C0950123, MeSH D030342.

Allele frequency attached by ClinVar (database versions not stated): ExAC 0.00004; gnomAD exomes 0.00013; TOPMed 0.00017; gnomAD 0.00029 and 0.00031.
gnomAD v4.1: 87 of 1,603,828 alleles (0.0054%); highest among the groups gnomAD compares: Admixed American, 0.12%; 1 homozygote.

Submissions (4):

Labcorp Genetics (formerly Invitae), Labcorp
Classification: Uncertain significance. Last evaluated: 2024-12-02. Review status: criteria provided, single submitter. Criteria: Invitae Variant Classification Sherloc (09022015). Collection method: clinical testing. Allele origin: germline.
Comment: This sequence change replaces alanine, which is neutral and non-polar, with valine, which is neutral and non-polar, at codon 584 of the TBCD protein (p.Ala584Val). This variant is present in population databases (rs747729228, gnomAD 0.08%). This variant has not been reported in the literature in individuals affected with TBCD-related conditions. ClinVar contains an entry for this variant (Variation ID: 1483505). An algorithm developed to predict the effect of missense changes on protein structure and function outputs the following: PolyPhen-2: "Benign". The valine amino acid residue is found in multiple mammalian species, which suggests that this missense change does not adversely affect protein function. In summary, the available evidence is currently insufficient to determine the role of this variant in disease. Therefore, it has been classified as a Variant of Uncertain Significance.

Ambry Genetics
Classification: Likely benign for Inborn genetic diseases. Last evaluated: 2021-06-02. Review status: criteria provided, single submitter. Criteria: Ambry Variant Classification Scheme 2023. Collection method: clinical testing. Allele origin: germline.

Dr. Peter K. Rogan Lab, Western University
No classification provided (evidence only). Condition: Gastric cancer. Review status: no classification provided. Collection method: in vitro. Allele origin: not applicable. Functional consequence: retained intron. Not counted in ClinVar's aggregate classification.

Dr. Peter K. Rogan Lab, Western University
No classification provided (evidence only). Condition: Gastric cancer. Review status: no classification provided. Collection method: in vitro. Allele origin: not applicable. Functional consequence: retained intron. Not counted in ClinVar's aggregate classification.